The following is an entry in ClinVar:

NM_006206.6(PDGFRA):c.1964T>G (p.Leu655Trp)

Gene: PDGFRA (platelet derived growth factor receptor alpha; plus strand). Cytogenetic location: 4q12.
Variant type: single nucleotide variant.
Coding change: c.1964T>G on transcript NM_006206.6 (MANE Select); coding-DNA position 1964, T replaced by G.
Protein change: p.Leu655Trp; replaces leucine 655 with tryptophan.
Molecular consequence: missense variant.
Genome position (GRCh38, 1-based): chr4:54,277,968, T>G. VCF-style: chr4-54277968-T-G. GRCh37 (hg19) VCF-style: chr4-55144135-T-G.
Other names: c.1964T>G, p.Leu655Trp (NM_001347827.2, NM_001347829.2); c.2039T>G, p.Leu680Trp (NM_001347828.2); c.2003T>G, p.Leu668Trp (NM_001347830.2); short protein forms L655W, L668W, L680W.
Identifiers: ClinVar variation 854771 (VCV000854771.17), dbSNP rs1723830351, ClinGen allele CA356893723.

ClinVar aggregate classification (germline): Uncertain significance (1 of 4 stars; one submission).

Conditions:
Gastrointestinal stromal tumor. Also called: Gastrointestinal stromal tumor, somatic; Gastrointestinal stroma tumor. Identifiers: Orphanet 44890, MedGen C0238198, MeSH D046152, MONDO:0011719, OMIM 606764, HP:0100723.

Submission:

Labcorp Genetics (formerly Invitae), Labcorp
Classification: Uncertain significance for Gastrointestinal stromal tumor. Last evaluated: 2019-12-18. Review status: criteria provided, single submitter. Criteria: Invitae Variant Classification Sherloc (09022015). Collection method: clinical testing. Allele origin: germline.
Comment: In summary, the available evidence is currently insufficient to determine the role of this variant in disease. Therefore, it has been classified as a Variant of Uncertain Significance. This sequence change replaces leucine with tryptophan at codon 655 of the PDGFRA protein (p.Leu655Trp). The leucine residue is highly conserved and there is a small physicochemical difference between leucine and tryptophan. This variant is not present in population databases (ExAC no frequency). This variant has not been reported in the literature in individuals with PDGFRA-related conditions. Algorithms developed to predict the effect of missense changes on protein structure and function (SIFT, PolyPhen-2, Align-GVGD) all suggest that this variant is likely to be disruptive, but these predictions have not been confirmed by published functional studies and their clinical significance is uncertain.